The following is an entry in ClinVar:

ClinVar aggregate classification (germline): Pathogenic. Review status: criteria provided, multiple submitters, no conflicts (2 of 4 stars). 4 submissions from 4 submitters: Pathogenic (4). Last evaluated 2025-12-18.

Conditions:
Glucose-6-phosphate transport defect (GSD1B). Also called: Glycogen Storage Disease Type Ib; GSD Ib. Identifiers: Orphanet 364, Orphanet 79259, MedGen C0268146, MONDO:0009288, OMIM 232220.

Allele frequency attached by ClinVar (database versions not stated): gnomAD exomes below 0.00001; ExAC 0.00001; gnomAD 0.00002.

Submissions (4):

Natera, Inc.
Classification: Pathogenic for Glycogen storage disease type Ib. Last evaluated: 2025-12-18. Review status: criteria provided, single submitter. Criteria: Natera Variant Classification Schema (03/2026). Collection method: clinical testing. Allele origin: germline.
Comment: The c.460delA variant in SLC37A4 is a frameshift variant predicted to shift the reading frame beginning at codon 154 and leads to a stop codon 58 codons downstream. This variant is expected to result in nonsense mediated decay, truncation, or a dysfunctional protein product. This variant is rare in the general population with a frequency below the threshold expected for the associated phenotype(s). This variant has been observed in one or more individuals affected with the associated recessive disease, as either homozygous or compound heterozygous with a second variant (PMID: 9758626). Additionally, this variant has been observed to segregate in affected family members (PMID: 9758626). Given the available evidence, this variant is classified as Pathogenic.

Labcorp Genetics (formerly Invitae), Labcorp
Classification: Pathogenic for Glucose-6-phosphate transport defect. Last evaluated: 2024-07-25. Review status: criteria provided, single submitter. Criteria: Invitae Variant Classification Sherloc (09022015). Collection method: clinical testing. Allele origin: germline.
Comment: This sequence change creates a premature translational stop signal (p.Ile154Serfs*58) in the SLC37A4 gene. It is expected to result in an absent or disrupted protein product. Loss-of-function variants in SLC37A4 are known to be pathogenic (PMID: 9758626, 10940311). This variant is present in population databases (rs769726248, gnomAD 0.0009%). This premature translational stop signal has been observed in individual(s) with glycogen storage disease (PMID: 9758626, 11949931). This variant is also known as 629delA. ClinVar contains an entry for this variant (Variation ID: 662747). For these reasons, this variant has been classified as Pathogenic.

Baylor Genetics
Classification: Pathogenic for Glucose-6-phosphate transport defect. Last evaluated: 2024-03-04. Review status: criteria provided, single submitter. Criteria: ACMG Guidelines, 2015. Collection method: clinical testing. Allele origin: unknown.

Women's Health and Genetics/Laboratory Corporation of America, LabCorp
Classification: Pathogenic for Glucose-6-phosphate transport defect. Last evaluated: 2022-05-11. Review status: criteria provided, single submitter. Criteria: LabCorp Variant Classification Summary - May 2015. Collection method: clinical testing. Allele origin: germline.
Comment: Variant summary: SLC37A4 c.460delA (p.Ile154SerfsX58) results in a premature termination codon, predicted to cause a truncation of the encoded protein or absence of the protein due to nonsense mediated decay, which are commonly known mechanisms for disease. Truncations downstream of this position have been classified as pathogenic by our laboratory. The variant allele was found at a frequency of 4.1e-06 in 242484 control chromosomes. c.460delA has been reported in the literature in individuals affected with Glycogen Storage Disease Type Ib (Veiga-da-Cunha_1998). To our knowledge, no experimental evidence demonstrating an impact on protein function has been reported. One clinical diagnostic laboratory has submitted clinical-significance assessments for this variant to ClinVar after 2014 without evidence for independent evaluation. One laboratory classified the variant as pathogenic. Based on the evidence outlined above, the variant was classified as pathogenic.

Literature cited by the submitters: PubMed 9758626 (cited by 3 submitters); PubMed 10940311 (cited by Labcorp Genetics (formerly Invitae), Labcorp); PubMed 11949931 (cited by Labcorp Genetics (formerly Invitae), Labcorp).

NM_001164277.2(SLC37A4):c.460del (p.Ile154fs)

Gene: SLC37A4 (solute carrier family 37 member 4; minus strand). Cytogenetic location: 11q23.3.
Variant type: Deletion.
Coding change: c.460del on transcript NM_001164277.2 (MANE Select); coding-DNA position 460, one base deleted (A; older notation c.460delA).
Protein change: p.Ile154fs; shifts the reading frame from isoleucine 154.
Molecular consequence: frameshift variant.
Genome position (GRCh38, 1-based): chr11:119,027,794, T deleted on the plus strand (A on the coding strand, the reverse complement: SLC37A4 is on the minus strand). VCF-style (leftmost placement, unchanged base first): chr11-119027793-AT-A. GRCh37 (hg19) VCF-style: chr11-118898503-AT-A.
Other names: c.460delA (NM_001164277.1); c.460del, p.Ile154fs (NM_001164278.2, NM_001164280.2, NM_001467.6); c.241del, p.Ile81fs (NM_001164279.2); short protein forms I81fs, I154fs.
Identifiers: ClinVar variation 662747 (VCV000662747.10), dbSNP rs769726248, ClinGen allele CA6311833.